The following is an entry in ClinVar:

ClinVar aggregate classification (germline): Benign. Review status: criteria provided, multiple submitters, no conflicts (2 of 4 stars). 2 submissions from 2 submitters: Benign (2). Last evaluated 2018-01-13.

Conditions:
SRD5A3-congenital disorder of glycosylation. Also called: CDG Iq; COLOBOMA, OCULAR, WITH ICHTHYOSIS, BRAIN MALFORMATIONS, AND ENDOCRINE ABNORMALITIES; Ocular colobomas, ichthyosis, brain malformations and endocrine abnormalities; Congenital disorder of glycosylation type 1Q; SRD5A3-CDG. Identifiers: Orphanet 324737, MedGen C4317224, MONDO:0012885, OMIM 612379.

Allele frequency attached by ClinVar (database versions not stated): gnomAD exomes 0.25000; TOPMed 0.26091; 1000 Genomes Project 0.26757; 1000 Genomes Project 30x 0.26983; gnomAD 0.27839 and 0.28066.
gnomAD v4.1: 42,639 of 152,024 alleles (28%); highest among the groups gnomAD compares: South Asian, 40%; 6,247 homozygotes.

Submissions (2):

Illumina Laboratory Services, Illumina
Classification: Benign for SRD5A3-congenital disorder of glycosylation. Last evaluated: 2018-01-13. Review status: criteria provided, single submitter. Criteria: ICSL Variant Classification Criteria 13 December 2019. Collection method: clinical testing. Allele origin: germline.
Comment: This variant was observed in the ICSL laboratory as part of a predisposition screen in an ostensibly healthy population. It had not been previously curated by ICSL or reported in the Human Gene Mutation Database (HGMD: prior to June 1st, 2018), and was therefore a candidate for classification through an automated scoring system. Utilizing variant allele frequency, disease prevalence and penetrance estimates, and inheritance mode, an automated score was calculated to assess if this variant is too frequent to cause the disease. Based on the score and internal cut-off values, a variant classified as benign is not then subjected to further curation. The score for this variant resulted in a classification of benign for this disease.

Breakthrough Genomics
Classification: Benign. Review status: criteria provided, single submitter. Criteria: ACMG Guidelines, 2015. Collection method: not provided. Allele origin: germline. Inheritance: Autosomal recessive inheritance. Affected: yes.

NM_024592.5(SRD5A3):c.*2368G>A

Genes: SRD5A3 (steroid 5 alpha-reductase 3; plus strand), SRD5A3-AS1 (SRD5A3 antisense RNA 1; minus strand). Cytogenetic location: 4q12.
Variant type: single nucleotide variant.
Coding change: c.*2368G>A on transcript NM_024592.5 (MANE Select); 2368 bases downstream of the stop codon, G replaced by A.
Molecular consequence: 3 prime UTR variant.
Genome position (GRCh38, 1-based): chr4:55,372,459, G>A. VCF-style: chr4-55372459-G-A. GRCh37 (hg19) VCF-style: chr4-56238626-G-A.
Identifiers: ClinVar variation 349043 (VCV000349043.6), dbSNP rs819270, ClinGen allele CA10618884.